The following is an entry in ClinVar:

ClinVar aggregate classification (germline): Pathogenic (1 of 4 stars; one submission).

Conditions:
Retinoblastoma (RB1). Also called: RETINOBLASTOMA, SOMATIC. Identifiers: Orphanet 790, MedGen C0035335, MeSH D012175, MONDO:0008380, OMIM 180200, HP:0009919. Disease mechanism: loss of function. Inheritance: Both sporadic and heritable forms are tested..

Submission:

Labcorp Genetics (formerly Invitae), Labcorp
Classification: Pathogenic for Retinoblastoma. Last evaluated: 2020-10-13. Review status: criteria provided, single submitter. Criteria: Invitae Variant Classification Sherloc (09022015). Collection method: clinical testing. Allele origin: germline.
Comment: For these reasons, this variant has been classified as Pathogenic. Loss-of-function variants in RB1 are known to be pathogenic (PMID: 17096365). This variant has not been reported in the literature in individuals with RB1-related conditions. This variant is a gross deletion of the genomic region encompassing exons 1-4 of the RB1 gene, which includes the initiator codon. The 5' end of this event is unknown as it extends beyond the assayed region for this gene and therefore may encompass additional genes. The 3' boundary is likely confined to intron 4 of the RB1 gene. This is expected to result in an absent or disrupted protein product.

Literature cited by the submitters: PubMed 17096365.

NC_000013.10:g.(?_48878039)_(48919345_?)del

Gene: RB1 (RB transcriptional corepressor 1; plus strand). Cytogenetic location: 13q14.2.
Variant type: Deletion.
Identifiers: ClinVar variation 1074925 (VCV001074925.3).